The following is an entry in ClinVar:

NM_006005.3(WFS1):c.2275C>G (p.Leu759Val)

Gene: WFS1 (wolframin ER transmembrane glycoprotein; plus strand). Cytogenetic location: 4p16.1.
Variant type: single nucleotide variant.
Coding change: c.2275C>G on transcript NM_006005.3 (MANE Select); coding-DNA position 2275, C replaced by G.
Protein change: p.Leu759Val; replaces leucine 759 with valine.
Molecular consequence: missense variant.
Genome position (GRCh38, 1-based): chr4:6,302,070, C>G. VCF-style: chr4-6302070-C-G. GRCh37 (hg19) VCF-style: chr4-6303797-C-G.
Other names: c.2275C>G, p.Leu759Val (NM_001145853.1); short protein forms L759V.
Identifiers: ClinVar variation 1320990 (VCV001320990.12), dbSNP rs769393109, ClinGen allele CA2839667.
Genomic context (GRCh38, chr4:6,302,070, plus strand): 5'-TACCCTGCCTGCAGCCCTGGCAACACCTCCACGGCCGAGGAGGAGCTCTGTCGCCTTAAG[C>G]TGCTGGCCAAGCACCCCTGCCACATCAAGAAGTTCGACCGCTACAAGTTTGAGATTACCG-3'
Protein context (NP_005996.2, residues 749-769): TAEEELCRLK[Leu759Val]LAKHPCHIKK

ClinVar aggregate classification (germline): Uncertain significance. Review status: criteria provided, multiple submitters, no conflicts (2 of 4 stars). 3 submissions from 3 submitters: Uncertain significance (3). Last evaluated 2026-02-13.

Conditions:
WFS1-related disorder. Identifiers: MedGen CN379391, MONDO:0700293.

Allele frequency attached by ClinVar (database versions not stated): gnomAD exomes 0.00001 and 0.00003; ExAC 0.00002; gnomAD 0.00002 and 0.00003; TOPMed 0.00003.
gnomAD v4.1: 11 of 1,612,768 alleles (0.00068%); highest among the groups gnomAD compares: Admixed American, 0.018%; no homozygotes.

Submissions (3):

GeneDx
Classification: Uncertain significance. Last evaluated: 2026-02-13. Review status: criteria provided, single submitter. Criteria: GeneDx Variant Classification Process June 2021. Collection method: clinical testing. Allele origin: germline. Affected: yes.
Comment: In silico analysis suggests that this missense variant does not alter protein structure/function; Has not been previously published as pathogenic or benign to our knowledge

PreventionGenetics, part of Exact Sciences
Classification: Uncertain significance for WFS1-related condition. Last evaluated: 2025-11-03. Review status: criteria provided, single submitter. Criteria: ACMG Guidelines, 2015. Collection method: clinical testing. Allele origin: germline.
Comment: The WFS1 c.2275C>G variant is predicted to result in the amino acid substitution p.Leu759Val. To our knowledge, this variant has not been reported in the literature. This variant is reported in 0.026% of alleles in individuals of Latino descent in gnomAD. At this time, the clinical significance of this variant is uncertain due to the absence of conclusive functional and genetic evidence.

Labcorp Genetics (formerly Invitae), Labcorp
Classification: Uncertain significance. Last evaluated: 2025-09-30. Review status: criteria provided, single submitter. Criteria: Invitae Variant Classification Sherloc (09022015). Collection method: clinical testing. Allele origin: germline.
Comment: This sequence change replaces leucine, which is neutral and non-polar, with valine, which is neutral and non-polar, at codon 759 of the WFS1 protein (p.Leu759Val). This variant is present in population databases (rs769393109, gnomAD 0.03%). This variant has not been reported in the literature in individuals affected with WFS1-related conditions. ClinVar contains an entry for this variant (Variation ID: 1320990). Invitae Evidence Modeling of protein sequence and biophysical properties (such as structural, functional, and spatial information, amino acid conservation, physicochemical variation, residue mobility, and thermodynamic stability) indicates that this missense variant is not expected to disrupt WFS1 protein function with a negative predictive value of 95%. In summary, the available evidence is currently insufficient to determine the role of this variant in disease. Therefore, it has been classified as a Variant of Uncertain Significance.